The following is an entry in ClinVar:

NM_001197104.2(KMT2A):c.10828C>T (p.Pro3610Ser)

Gene: KMT2A (lysine methyltransferase 2A; plus strand). Cytogenetic location: 11q23.3.
Variant type: single nucleotide variant.
Coding change: c.10828C>T on transcript NM_001197104.2 (MANE Select); coding-DNA position 10828, C replaced by T.
Protein change: p.Pro3610Ser; replaces proline 3610 with serine.
Molecular consequence: missense variant.
Genome position (GRCh38, 1-based): chr11:118,507,602, C>T. VCF-style: chr11-118507602-C-T. GRCh37 (hg19) VCF-style: chr11-118378317-C-T.
Other names: c.10918C>T, p.Pro3640Ser (NM_001412597.1); c.10819C>T, p.Pro3607Ser (NM_005933.4); short protein forms P3610S, P3607S, P3640S.
Identifiers: ClinVar variation 2124909 (VCV002124909.4), dbSNP rs782393372, ClinGen allele CA6304831.

ClinVar aggregate classification (germline): Uncertain significance (1 of 4 stars; one submission).

Allele frequency attached by ClinVar (database versions not stated): gnomAD exomes below 0.00001; TOPMed below 0.00001; ExAC 0.00001.
gnomAD v4.1: 4 of 1,612,884 alleles (0.00025%); highest among the groups gnomAD compares: Non-Finnish European, 0.00034%; no homozygotes.

Submission:

Labcorp Genetics (formerly Invitae), Labcorp
Classification: Uncertain significance. Last evaluated: 2024-11-11. Review status: criteria provided, single submitter. Criteria: Invitae Variant Classification Sherloc (09022015). Collection method: clinical testing. Allele origin: germline.
Comment: This sequence change replaces proline, which is neutral and non-polar, with serine, which is neutral and polar, at codon 3610 of the KMT2A protein (p.Pro3610Ser). This variant is present in population databases (rs782393372, gnomAD 0.0009%). This variant has not been reported in the literature in individuals affected with KMT2A-related conditions. ClinVar contains an entry for this variant (Variation ID: 2124909). Invitae Evidence Modeling of protein sequence and biophysical properties (such as structural, functional, and spatial information, amino acid conservation, physicochemical variation, residue mobility, and thermodynamic stability) indicates that this missense variant is not expected to disrupt KMT2A protein function with a negative predictive value of 95%. In summary, the available evidence is currently insufficient to determine the role of this variant in disease. Therefore, it has been classified as a Variant of Uncertain Significance.